The following is an entry in ClinVar:

ClinVar aggregate classification (germline): Uncertain significance (1 of 4 stars; one submission).

Conditions:
Immunodeficiency 104. Also called: Severe combined immunodeficiency, autosomal recessive, T cell-negative, B cell-positive, NK cell-positive; Severe Combined Immune Deficiency, Autosomal Recessive, TCell -Negative, B Cell-Positive, NK Cell-Positive, IL7R-Related; SCID, AUTOSOMAL RECESSIVE, T CELL-NEGATIVE, B CELL-POSITIVE, NK CELL-POSITIVE; IMMUNODEFICIENCY 104, SEVERE COMBINED. Identifiers: MedGen C5676890, MONDO:0012163, OMIM 608971.

Allele frequency attached by ClinVar (database versions not stated): TOPMed 0.00002.
gnomAD v4.1: 4 of 1,613,986 alleles (0.00025%); highest among the groups gnomAD compares: East Asian, 0.0089%; no homozygotes.

Submission:

Labcorp Genetics (formerly Invitae), Labcorp
Classification: Uncertain significance for Immunodeficiency 104. Last evaluated: 2022-08-23. Review status: criteria provided, single submitter. Criteria: Invitae Variant Classification Sherloc (09022015). Collection method: clinical testing. Allele origin: germline.
Comment: This sequence change replaces proline, which is neutral and non-polar, with threonine, which is neutral and polar, at codon 49 of the PTPRC protein (p.Pro49Thr). This variant is present in population databases (rs746480752, gnomAD 0.02%). This missense change has been observed in individual(s) with familial autoimmunity (PMID: 31848144). ClinVar contains an entry for this variant (Variation ID: 1352680). Algorithms developed to predict the effect of missense changes on protein structure and function are either unavailable or do not agree on the potential impact of this missense change (SIFT: "Deleterious"; PolyPhen-2: "Probably Damaging"; Align-GVGD: "Class C0"). In summary, the available evidence is currently insufficient to determine the role of this variant in disease. Therefore, it has been classified as a Variant of Uncertain Significance.

Literature cited by the submitters: PubMed 31848144.

NM_002838.5(PTPRC):c.145C>A (p.Pro49Thr)

Gene: PTPRC (protein tyrosine phosphatase receptor type C; plus strand). Cytogenetic location: 1q31.3.
Variant type: single nucleotide variant.
Coding change: c.145C>A on transcript NM_002838.5 (MANE Select); coding-DNA position 145, C replaced by A.
Protein change: p.Pro49Thr; replaces proline 49 with threonine.
Molecular consequence: missense variant. On other transcripts: intron variant (1).
Genome position (GRCh38, 1-based): chr1:198,696,756, C>A. VCF-style: chr1-198696756-C-A. GRCh37 (hg19) VCF-style: chr1-198665885-C-A.
Other names: c.100+4383C>A (NM_080921.4); short protein forms P49T.
Identifiers: ClinVar variation 1352680 (VCV001352680.5), dbSNP rs746480752, ClinGen allele CA1314417.
Genomic context (GRCh38, chr1:198,696,756, plus strand): 5'-TTCCATTAATTAACAGGATTGACTACAGCAAAGATGCCCAGTGTTCCACTTTCAAGTGAC[C>A]CCTTACCTACTCACACCACTGCATTCTCACCCGCAAGCACCTTTGAAAGAGAAAATGACT-3'
Protein context (NP_002829.3, residues 39-59): KMPSVPLSSD[Pro49Thr]LPTHTTAFSP